The following is an entry in ClinVar:

ClinVar aggregate classification (germline): Uncertain significance. Review status: criteria provided, multiple submitters, no conflicts (2 of 4 stars). 2 submissions from 2 submitters: Uncertain significance (2). Last evaluated 2025-10-15.

Allele frequency attached by ClinVar (database versions not stated): TOPMed 0.00003; gnomAD 0.00006.

Submissions (2):

Ambry Genetics
Classification: Uncertain significance. Last evaluated: 2025-10-15. Review status: criteria provided, single submitter. Criteria: Ambry Variant Classification Scheme 2023. Collection method: clinical testing. Allele origin: germline.

Labcorp Genetics (formerly Invitae), Labcorp
Classification: Uncertain significance. Last evaluated: 2023-12-06. Review status: criteria provided, single submitter. Criteria: Invitae Variant Classification Sherloc (09022015). Collection method: clinical testing. Allele origin: germline.
Comment: This sequence change replaces threonine, which is neutral and polar, with alanine, which is neutral and non-polar, at codon 19 of the LOR protein (p.Thr19Ala). This variant is present in population databases (no rsID available, gnomAD 0.02%). This variant has not been reported in the literature in individuals affected with LOR-related conditions. ClinVar contains an entry for this variant (Variation ID: 2052502). Experimental studies and prediction algorithms are not available or were not evaluated, and the functional significance of this variant is currently unknown. In summary, the available evidence is currently insufficient to determine the role of this variant in disease. Therefore, it has been classified as a Variant of Uncertain Significance.

NM_000427.3(LORICRIN):c.55A>G (p.Thr19Ala)

Gene: LORICRIN (loricrin cornified envelope precursor protein; plus strand). Cytogenetic location: 1q21.3.
Variant type: single nucleotide variant.
Coding change: c.55A>G on transcript NM_000427.3 (MANE Select); coding-DNA position 55, A replaced by G.
Protein change: p.Thr19Ala; replaces threonine 19 with alanine.
Molecular consequence: missense variant.
Genome position (GRCh38, 1-based): chr1:153,261,004, A>G. VCF-style: chr1-153261004-A-G. GRCh37 (hg19) VCF-style: chr1-153233480-A-G.
Other names: c.55A>G (NM_000427.2); short protein forms T19A.
Identifiers: ClinVar variation 2052502 (VCV002052502.6), dbSNP rs1030416352, ClinGen allele CA30648529.